The following is an entry in ClinVar:

NM_004385.5(VCAN):c.4619T>C (p.Val1540Ala)

Genes: VCAN (versican; plus strand), VCAN-AS1 (VCAN antisense RNA 1; minus strand). Cytogenetic location: 5q14.3.
Variant type: single nucleotide variant.
Coding change: c.4619T>C on transcript NM_004385.5 (MANE Select); coding-DNA position 4619, T replaced by C.
Protein change: p.Val1540Ala; replaces valine 1540 with alanine.
Molecular consequence: missense variant. On other transcripts: intron variant (2).
Genome position (GRCh38, 1-based): chr5:83,537,622, T>C. VCF-style: chr5-83537622-T-C. GRCh37 (hg19) VCF-style: chr5-82833441-T-C.
Other names: c.1658T>C, p.Val553Ala (NM_001164097.2); c.4004-7915T>C (NM_001164098.2); c.1043-7915T>C (NM_001126336.3); short protein forms V1540A, V553A.
Identifiers: ClinVar variation 2018602 (VCV002018602.6), dbSNP rs779535464, ClinGen allele CA3333201.

ClinVar aggregate classification (germline): Uncertain significance. Review status: criteria provided, multiple submitters, no conflicts (2 of 4 stars). 2 submissions from 2 submitters: Uncertain significance (2). Last evaluated 2025-05-26.

Conditions:
Inborn genetic diseases. Identifiers: MedGen C0950123, MeSH D030342.

Allele frequency attached by ClinVar (database versions not stated): TOPMed below 0.00001; ExAC 0.00001; gnomAD exomes 0.00001.
gnomAD v4.1: 19 of 1,613,860 alleles (0.0012%); highest among the groups gnomAD compares: South Asian, 0.021%; 1 homozygote.

Submissions (2):

Ambry Genetics
Classification: Uncertain significance for Inborn genetic diseases. Last evaluated: 2025-05-26. Review status: criteria provided, single submitter. Criteria: Ambry Variant Classification Scheme 2023. Collection method: clinical testing. Allele origin: germline.

Labcorp Genetics (formerly Invitae), Labcorp
Classification: Uncertain significance. Last evaluated: 2024-11-11. Review status: criteria provided, single submitter. Criteria: Invitae Variant Classification Sherloc (09022015). Collection method: clinical testing. Allele origin: germline.
Comment: This sequence change replaces valine, which is neutral and non-polar, with alanine, which is neutral and non-polar, at codon 1540 of the VCAN protein (p.Val1540Ala). This variant is present in population databases (rs779535464, gnomAD 0.006%). This variant has not been reported in the literature in individuals affected with VCAN-related conditions. ClinVar contains an entry for this variant (Variation ID: 2018602). An algorithm developed to predict the effect of missense changes on protein structure and function outputs the following: PolyPhen-2: "Benign". The alanine amino acid residue is found in multiple mammalian species, which suggests that this missense change does not adversely affect protein function. In summary, the available evidence is currently insufficient to determine the role of this variant in disease. Therefore, it has been classified as a Variant of Uncertain Significance.